The following is an entry in ClinVar:

NM_014806.5(RUSC2):c.2851G>A (p.Val951Met)

Gene: RUSC2 (RUN and SH3 domain containing 2; plus strand). Cytogenetic location: 9p13.3.
Variant type: single nucleotide variant.
Coding change: c.2851G>A on transcript NM_014806.5 (MANE Select); coding-DNA position 2851, G replaced by A.
Protein change: p.Val951Met; replaces valine 951 with methionine.
Molecular consequence: missense variant. On other transcripts: non-coding transcript variant (1).
Genome position (GRCh38, 1-based): chr9:35,556,316, G>A. VCF-style: chr9-35556316-G-A. GRCh37 (hg19) VCF-style: chr9-35556313-G-A.
Other names: c.2851G>A, p.Val951Met (NM_001135999.2); c.217G>A, p.Val73Met (NM_001330740.2); c.2851G>A (NM_001135999.1); short protein forms V951M, V73M.
Identifiers: ClinVar variation 1426205 (VCV001426205.7), dbSNP rs145444755, ClinGen allele CA5043990.

ClinVar aggregate classification (germline): Uncertain significance. Review status: criteria provided, multiple submitters, no conflicts (2 of 4 stars). 2 submissions from 2 submitters: Uncertain significance (2). Last evaluated 2024-10-16.

Allele frequency attached by ClinVar (database versions not stated): ExAC 0.00001; TOPMed 0.00002; gnomAD exomes 0.00003; gnomAD 0.00005; ESP Exome Variant Server 0.00008.
gnomAD v4.1: 47 of 1,613,998 alleles (0.0029%); highest among the groups gnomAD compares: Admixed American, 0.012%; no homozygotes.

Submissions (2):

Labcorp Genetics (formerly Invitae), Labcorp
Classification: Uncertain significance. Last evaluated: 2024-10-16. Review status: criteria provided, single submitter. Criteria: Invitae Variant Classification Sherloc (09022015). Collection method: clinical testing. Allele origin: germline.
Comment: This sequence change replaces valine, which is neutral and non-polar, with methionine, which is neutral and non-polar, at codon 951 of the RUSC2 protein (p.Val951Met). This variant is present in population databases (rs145444755, gnomAD 0.02%). This variant has not been reported in the literature in individuals affected with RUSC2-related conditions. ClinVar contains an entry for this variant (Variation ID: 1426205). An algorithm developed to predict the effect of missense changes on protein structure and function outputs the following: PolyPhen-2: "Benign". The methionine amino acid residue is found in multiple mammalian species, which suggests that this missense change does not adversely affect protein function. In summary, the available evidence is currently insufficient to determine the role of this variant in disease. Therefore, it has been classified as a Variant of Uncertain Significance.

Ambry Genetics
Classification: Uncertain significance. Last evaluated: 2023-01-06. Review status: criteria provided, single submitter. Criteria: Ambry Variant Classification Scheme 2023. Collection method: clinical testing. Allele origin: germline.